The following is an entry in ClinVar:

NC_000023.10:g.(?_31645770)_(31838220_?)del

Gene: DMD (dystrophin; minus strand). Cytogenetic location: Xp21.1.
Variant type: Deletion.
Identifiers: ClinVar variation 1455839 (VCV001455839.8).

ClinVar aggregate classification (germline): Pathogenic (1 of 4 stars; one submission).

Conditions:
Duchenne muscular dystrophy (DMD). Also called: Duchenne Muscular Dystrophy (DMD); MUSCULAR DYSTROPHY, PSEUDOHYPERTROPHIC PROGRESSIVE, DUCHENNE TYPE. Identifiers: Orphanet 98896, MedGen C0013264, MONDO:0010679, OMIM 310200.

Submission:

Labcorp Genetics (formerly Invitae), Labcorp
Classification: Pathogenic for Duchenne muscular dystrophy. Last evaluated: 2023-03-10. Review status: criteria provided, single submitter. Criteria: Invitae Variant Classification Sherloc (09022015). Collection method: clinical testing. Allele origin: germline.
Comment: For these reasons, this variant has been classified as Pathogenic. The region of the DMD gene that includes exon(s) 54-55 has been determined to be clinically significant (PMID: 16770791; Invitae). Therefore, deletions that encompass that region are likely to be disease-causing. This variant has not been reported in the literature in individuals affected with DMD-related conditions. This variant is a gross deletion of the genomic region encompassing exon(s) 50-55 of the DMD gene. This variant would be expected to be in-frame, preserving the integrity of the reading frame.

Literature cited by the submitters: PubMed 16770791.